The following is an entry in ClinVar:

ClinVar aggregate classification (germline): Uncertain significance. Review status: criteria provided, multiple submitters, no conflicts (2 of 4 stars). 2 submissions from 2 submitters: Uncertain significance (2). Last evaluated 2023-01-05.

Conditions:
Charcot-Marie-Tooth disease axonal type 2O. Also called: Charcot-Marie-Tooth disease, axonal, type 20; Charcot-Marie-Tooth Neuropathy Type 2O; CHARCOT-MARIE-TOOTH NEUROPATHY, AXONAL, TYPE 2O; CHARCOT-MARIE-TOOTH DISEASE, AXONAL, AUTOSOMAL DOMINANT, TYPE 2O. Identifiers: Orphanet 284232, MedGen C3280220, MONDO:0013644, OMIM 614228.

Submissions (2):

GeneDx
Classification: Uncertain significance. Last evaluated: 2023-01-05. Review status: criteria provided, single submitter. Criteria: GeneDx Variant Classification Process June 2021. Collection method: clinical testing. Allele origin: germline. Affected: yes.
Comment: Not observed at significant frequency in large population cohorts (gnomAD); In silico analysis supports that this missense variant has a deleterious effect on protein structure/function; Has not been previously published as pathogenic or benign to our knowledge; This variant is associated with the following publications: (PMID: 26100331, 25512093, 25609763)

Labcorp Genetics (formerly Invitae), Labcorp
Classification: Uncertain significance for Charcot-Marie-Tooth disease axonal type 2O. Last evaluated: 2021-08-29. Review status: criteria provided, single submitter. Criteria: Invitae Variant Classification Sherloc (09022015). Collection method: clinical testing. Allele origin: germline.
Comment: In summary, the available evidence is currently insufficient to determine the role of this variant in disease. Therefore, it has been classified as a Variant of Uncertain Significance. Algorithms developed to predict the effect of sequence changes on RNA splicing suggest that this variant may create or strengthen a splice site. Advanced modeling of protein sequence and biophysical properties (such as structural, functional, and spatial information, amino acid conservation, physicochemical variation, residue mobility, and thermodynamic stability) performed at Invitae indicates that this missense variant is expected to disrupt DYNC1H1 protein function. This variant has not been reported in the literature in individuals affected with DYNC1H1-related conditions. This variant is not present in population databases (ExAC no frequency). This sequence change replaces arginine with glutamine at codon 664 of the DYNC1H1 protein (p.Arg664Gln). The arginine residue is highly conserved and there is a small physicochemical difference between arginine and glutamine.

NM_001376.5(DYNC1H1):c.1991G>A (p.Arg664Gln)

Gene: DYNC1H1 (dynein cytoplasmic 1 heavy chain 1; plus strand). Cytogenetic location: 14q32.31.
Variant type: single nucleotide variant.
Coding change: c.1991G>A on transcript NM_001376.5 (MANE Select); coding-DNA position 1991, G replaced by A.
Protein change: p.Arg664Gln; replaces arginine 664 with glutamine.
Molecular consequence: missense variant.
Genome position (GRCh38, 1-based): chr14:101,986,216, G>A. VCF-style: chr14-101986216-G-A. GRCh37 (hg19) VCF-style: chr14-102452553-G-A.
Other names: c.1991G>A (NM_001376.4); short protein forms R664Q.
Identifiers: ClinVar variation 1412806 (VCV001412806.6), dbSNP rs2047934872, ClinGen allele CA391020202.